The following is an entry in ClinVar:

NM_000107.3(DDB2):c.1218G>A (p.Thr406=)

Gene: DDB2 (damage specific DNA binding protein 2; plus strand). Cytogenetic location: 11p11.2.
Variant type: single nucleotide variant.
Coding change: c.1218G>A on transcript NM_000107.3 (MANE Select); coding-DNA position 1218, G replaced by A.
Protein change: p.Thr406=; no amino-acid change (threonine 406 retained).
Molecular consequence: synonymous variant. On other transcripts: non-coding transcript variant (2).
Genome position (GRCh38, 1-based): chr11:47,238,167, G>A. VCF-style: chr11-47238167-G-A. GRCh37 (hg19) VCF-style: chr11-47259718-G-A.
Other names: c.651G>A, p.Thr217= (NM_001300734.2, NM_001399876.1); c.1218G>A, p.Thr406= (NM_001399874.1, NM_001399875.1); c.1026G>A, p.Thr342= (NM_001399878.1).
Identifiers: ClinVar variation 3026314 (VCV003026314.22), dbSNP rs1470480918, ClinGen allele CA474229702.

ClinVar aggregate classification (germline): Likely benign (1 of 4 stars; one submission).

Allele frequency attached by ClinVar (database versions not stated): gnomAD exomes below 0.00001; gnomAD 0.00001.
gnomAD v4.1: 7 of 1,611,192 alleles (0.00043%); highest among the groups gnomAD compares: East Asian, 0.0022%; no homozygotes.

Submission:

CeGaT Center for Human Genetics Tuebingen
Classification: Likely benign. Last evaluated: 2023-12-01. Review status: criteria provided, single submitter. Criteria: CeGaT Center For Human Genetics Tuebingen Variant Classification Criteria Version 2. Collection method: clinical testing. Allele origin: germline. Affected: yes. Observed: 1 variant allele.
Comment: DDB2: BP4, BP7